The following is an entry in ClinVar:

ClinVar aggregate classification (germline): Uncertain significance. Review status: criteria provided, multiple submitters, no conflicts (2 of 4 stars). 2 submissions from 2 submitters: Uncertain significance (2). Last evaluated 2024-06-10.

Submissions (2):

Blueprint Genetics
Classification: Uncertain significance. Last evaluated: 2024-06-10. Review status: criteria provided, single submitter. Criteria: ACMG Guidelines, 2015. Collection method: clinical testing. Allele origin: germline.

Labcorp Genetics (formerly Invitae), Labcorp
Classification: Uncertain significance. Last evaluated: 2024-02-24. Review status: criteria provided, single submitter. Criteria: Invitae Variant Classification Sherloc (09022015). Collection method: clinical testing. Allele origin: germline.
Comment: This sequence change replaces isoleucine, which is neutral and non-polar, with valine, which is neutral and non-polar, at codon 2577 of the VCAN protein (p.Ile2577Val). This variant is not present in population databases (gnomAD no frequency). This variant has not been reported in the literature in individuals affected with VCAN-related conditions. ClinVar contains an entry for this variant (Variation ID: 1397734). An algorithm developed to predict the effect of missense changes on protein structure and function (PolyPhen-2) suggests that this variant is likely to be tolerated. In summary, the available evidence is currently insufficient to determine the role of this variant in disease. Therefore, it has been classified as a Variant of Uncertain Significance.

NM_004385.5(VCAN):c.7729A>G (p.Ile2577Val)

Genes: VCAN (versican; plus strand), VCAN-AS1 (VCAN antisense RNA 1; minus strand). Cytogenetic location: 5q14.3.
Variant type: single nucleotide variant.
Coding change: c.7729A>G on transcript NM_004385.5 (MANE Select); coding-DNA position 7729, A replaced by G.
Protein change: p.Ile2577Val; replaces isoleucine 2577 with valine.
Molecular consequence: missense variant. On other transcripts: intron variant (2).
Genome position (GRCh38, 1-based): chr5:83,540,732, A>G. VCF-style: chr5-83540732-A-G. GRCh37 (hg19) VCF-style: chr5-82836551-A-G.
Other names: c.4768A>G, p.Ile1590Val (NM_001164097.2); c.4004-4805A>G (NM_001164098.2); c.1043-4805A>G (NM_001126336.3); short protein forms I2577V, I1590V.
Identifiers: ClinVar variation 1397734 (VCV001397734.9), dbSNP rs2112447965, ClinGen allele CA360315371.
Genomic context (GRCh38, chr5:83,540,732, plus strand): 5'-ACAATTACAGAGAGTACCATCCTTGAAATTCTACCTGAGCTGACATCGGATAAAAATACT[A>G]TCATAGATATTGATCATACTAAACCTGTGTATGAAGACATTCTTGGAATGCAAACAGATA-3'
Protein context (NP_004376.2, residues 2567-2587): LPELTSDKNT[Ile2577Val]IDIDHTKPVY